The following is an entry in ClinVar:

ClinVar aggregate classification (germline): Likely benign (0 of 4 stars; one submission).

Conditions:
MKRN3-related disorder. Also called: MKRN3-related condition.

Allele frequency attached by ClinVar (database versions not stated): gnomAD 0.00001; gnomAD exomes 0.00003; TOPMed 0.00003; ExAC 0.00008.
gnomAD v4.1: 39 of 1,613,774 alleles (0.0024%); highest among the groups gnomAD compares: South Asian, 0.027%; no homozygotes.

Submission:

PreventionGenetics, part of Exact Sciences
Classification: Likely benign for MKRN3-related condition. Last evaluated: 2019-03-22. Review status: no assertion criteria provided. Collection method: clinical testing. Allele origin: germline.
Comment: This variant is classified as likely benign based on ACMG/AMP sequence variant interpretation guidelines (Richards et al. 2015 PMID: 25741868, with internal and published modifications).

NM_005664.4(MKRN3):c.618T>C (p.Phe206=)

Gene: MKRN3 (makorin ring finger protein 3; plus strand). Cytogenetic location: 15q11.2.
Variant type: single nucleotide variant.
Coding change: c.618T>C on transcript NM_005664.4 (MANE Select); coding-DNA position 618, T replaced by C.
Protein change: p.Phe206=; no amino-acid change (phenylalanine 206 retained).
Molecular consequence: synonymous variant.
Genome position (GRCh38, 1-based): chr15:23,566,400, T>C. VCF-style: chr15-23566400-T-C. GRCh37 (hg19) VCF-style: chr15-23811547-T-C.
Identifiers: ClinVar variation 3058473 (VCV003058473.2), dbSNP rs762486086, ClinGen allele CA7429431.